The following is an entry in ClinVar:

NM_000169.3(GLA):c.56T>A (p.Leu19Gln)

Genes: GLA (galactosidase alpha; minus strand), RPL36A-HNRNPH2 (RPL36A-HNRNPH2 readthrough; plus strand). Cytogenetic location: Xq22.1.
Variant type: single nucleotide variant.
Coding change: c.56T>A on transcript NM_000169.3 (MANE Select); coding-DNA position 56, T replaced by A.
Protein change: p.Leu19Gln; replaces leucine 19 with glutamine.
Molecular consequence: missense variant. On other transcripts: non-coding transcript variant (3), intron variant (2).
Genome position (GRCh38, 1-based): chrX:101,407,848, A>T on the plus strand (T>A on the coding strand, the complement: GLA is on the minus strand). VCF-style: chrX-101407848-A-T. GRCh37 (hg19) VCF-style: chrX-100662836-A-T.
Other names: c.56T>A, p.Leu19Gln (NM_001406747.1, NM_001406748.1, NM_001406749.1); c.301-4088A>T (NM_001199973.2); c.178-4088A>T (NM_001199974.2); short protein forms L19Q.
Identifiers: ClinVar variation 997947 (VCV000997947.3), dbSNP rs1928592578, ClinGen allele CA413937691.

ClinVar aggregate classification (germline): Conflicting classifications of pathogenicity. Review status: criteria provided, conflicting classifications (1 of 4 stars). 2 submissions from 2 submitters: Likely pathogenic (1); Uncertain significance (1). Last evaluated 2026-09-08.

Conditions:
Fabry disease. Also called: Ceramide trihexosidosis; CERAMIDE TRIHEXOSIDASE DEFICIENCY; GLA DEFICIENCY; HEREDITARY DYSTOPIC LIPIDOSIS; ALPHA-GALACTOSIDASE A DEFICIENCY; ANDERSON-FABRY DISEASE. Identifiers: Orphanet 324, MedGen C0002986, MONDO:0010526, OMIM 301500, HP:0001071. Disease mechanism: loss of function, Fabry disease is due to inactivating mutations in the X-linked GLA gene resulting in deficiency of the enzyme Alpha Galactosidase-A..

Submissions (2):

Genomenon, Inc
Classification: Likely pathogenic for Fabry disease. Last evaluated: 2026-09-08. Review status: criteria provided, single submitter. Criteria: Genomenon Sequence Variant Interpretation Standards - Updated. Collection method: curation. Allele origin: germline. Affected: no.
Comment: GLA p.Leu19Gln (c.56T>A) is a missense variant that changes the amino acid at codon 19 from Leucine to Glutamine. To our knowledge, this variant has not been reported in patients affected with Fabry disease in the published literature. At least one functional study has demonstrated a substantial alteration in protein function relative to the wild-type (PMID:27657681). It is absent or not present at a significant frequency in gnomAD. In conclusion, we classify GLA p.Leu19Gln (c.56T>A) as a likely pathogenic variant.

Women's Health and Genetics/Laboratory Corporation of America, LabCorp
Classification: Uncertain significance. Last evaluated: 2021-02-23. Review status: criteria provided, single submitter. Criteria: LabCorp Variant Classification Summary - May 2015. Collection method: clinical testing. Allele origin: germline.
Comment: Variant summary: GLA c.56T>A (p.Leu19Gln) results in a non-conservative amino acid change in the encoded protein sequence. Three of five in-silico tools predict a damaging effect of the variant on protein function. The variant was absent in 183421 control chromosomes. The available data on variant occurrences in the general population are insufficient to allow any conclusion about variant significance. To our knowledge, no occurrence of c.56T>A in individuals affected with Fabry Disease and no experimental evidence demonstrating its impact on protein function have been reported. Although a different nucleotide alteration, c.56T>C (p.Leu19Pro) has been reported in patients with Fabry Disease (HGMD and Fabry Disease database). No clinical diagnostic laboratories have submitted clinical-significance assessments for this variant to ClinVar after 2014. Based on the evidence outlined above, the variant was classified as uncertain significance.

Literature cited by the submitters: PubMed 27657681 (cited by Genomenon, Inc).